The following is an entry in ClinVar:

NM_001048174.2(MUTYH):c.1298A>C (p.Glu433Ala)

Gene: MUTYH (mutY DNA glycosylase; minus strand). Cytogenetic location: 1p34.1.
Variant type: single nucleotide variant.
Coding change: c.1298A>C on transcript NM_001048174.2 (MANE Select); coding-DNA position 1298, A replaced by C.
Protein change: p.Glu433Ala; replaces glutamic acid 433 with alanine.
Molecular consequence: missense variant. On other transcripts: non-coding transcript variant (7).
Genome position (GRCh38, 1-based): chr1:45,331,276, T>G on the plus strand (A>C on the coding strand, the complement: MUTYH is on the minus strand). VCF-style: chr1-45331276-T-G. GRCh37 (hg19) VCF-style: chr1-45796948-T-G.
Other names: c.1298A>C, p.Glu433Ala (NM_001048171.2, NM_001048173.2, NM_001293195.2 and 6 more transcripts); c.1301A>C, p.Glu434Ala (NM_001048172.2, NM_001407071.1, NM_001407078.1 and 1 more transcripts); c.1382A>C, p.Glu461Ala (NM_001128425.2); c.1343A>C, p.Glu448Ala (NM_001293190.2); c.1331A>C, p.Glu444Ala (NM_001293191.2, NM_001407069.1, NM_001407077.1); c.1022A>C, p.Glu341Ala (NM_001293192.2, NM_001293196.2, NM_001407091.1); c.953A>C, p.Glu318Ala (NM_001350650.2, NM_001350651.2, NM_001407082.1); c.1214A>C, p.Glu405Ala (NM_001407075.1); and 5 more; short protein forms E419A, E420A, E434A, E461A, E341A, E405A, E447A, E318A.
Identifiers: ClinVar variation 4113203 (VCV004113203.1).

ClinVar aggregate classification (germline): Uncertain significance (1 of 4 stars; one submission).

Conditions:
Hereditary cancer-predisposing syndrome. Also called: Tumor predisposition; Neoplastic Syndromes, Hereditary; Hereditary neoplastic syndrome; Hereditary Cancer Syndrome. Identifiers: Orphanet 140162, MedGen C0027672, MeSH D009386, MONDO:0015356.

Submission:

Ambry Genetics
Classification: Uncertain significance for Hereditary cancer-predisposing syndrome. Last evaluated: 2025-08-27. Review status: criteria provided, single submitter. Criteria: Ambry Variant Classification Scheme 2023. Collection method: clinical testing. Allele origin: germline.
Comment: The p.E461A variant (also known as c.1382A>C), located in coding exon 14 of the MUTYH gene, results from an A to C substitution at nucleotide position 1382. The glutamic acid at codon 461 is replaced by alanine, an amino acid with dissimilar properties. This amino acid position is conserved. In addition, the in silico prediction for this alteration is inconclusive. Based on the available evidence, the clinical significance of this variant remains unclear.